The following is an entry in ClinVar:

NM_001286445.3(RIPOR2):c.1164+488G>C

Gene: RIPOR2 (RHO family interacting cell polarization regulator 2; minus strand). Cytogenetic location: 6p22.3.
Variant type: single nucleotide variant.
Coding change: c.1164+488G>C on transcript NM_001286445.3 (MANE Select); 488 bases into the intron after coding-DNA position 1164, G replaced by C.
Molecular consequence: intron variant.
Genome position (GRCh38, 1-based): chr6:24,847,537, C>G on the plus strand (G>C on the coding strand, the complement: RIPOR2 is on the minus strand). VCF-style: chr6-24847537-C-G. GRCh37 (hg19) VCF-style: chr6-24847765-C-G.
Other names: c.1077+488G>C (NM_001346031.2, NM_001346032.2, NM_015864.5 and 1 more transcripts); c.1227+5G>C (NM_014722.5, NM_014722.4); c.1179+488G>C (NM_001286446.3).
Identifiers: ClinVar variation 3611546 (VCV003611546.3).
Genomic context (GRCh38, chr6:24,847,537, plus strand): 5'-GCTAAGTCACACATGCCACAAGCCCCAGAAGTCAAGCACTCCATACCCGGGCAGGCCACA[C>G]TCACATAGAGCTCTAGCACGGCCTTGGGACTCGGCCTGAGGGAGGGCAGGTCACTGAAGG-3'

ClinVar aggregate classification (germline): Uncertain significance. Review status: criteria provided, multiple submitters, no conflicts (2 of 4 stars). 2 submissions from 2 submitters: Uncertain significance (2). Last evaluated 2025-08-18.

Conditions:
RIPOR2-related disorder. Also called: RIPOR2-related condition.

gnomAD v4.1: 85 of 1,550,944 alleles (0.0055%); highest among the groups gnomAD compares: Non-Finnish European, 0.0067%; no homozygotes.

Submissions (2):

Labcorp Genetics (formerly Invitae), Labcorp
Classification: Uncertain significance. Last evaluated: 2025-08-18. Review status: criteria provided, single submitter. Criteria: Invitae Variant Classification Sherloc (09022015). Collection method: clinical testing. Allele origin: germline.
Comment: This sequence change falls in intron 13 of the FAM65B gene. It does not directly change the encoded amino acid sequence of the FAM65B protein. It affects a nucleotide within the consensus splice site. This variant is present in population databases (no rsID available, gnomAD 0.01%). This variant has not been reported in the literature in individuals affected with FAM65B-related conditions. ClinVar contains an entry for this variant (Variation ID: 3611546). Variants that disrupt the consensus splice site are a relatively common cause of aberrant splicing (PMID: 17576681, 9536098). Algorithms developed to predict the effect of sequence changes on RNA splicing suggest that this variant may disrupt the consensus splice site. In summary, the available evidence is currently insufficient to determine the role of this variant in disease. Therefore, it has been classified as a Variant of Uncertain Significance.

PreventionGenetics, part of Exact Sciences
Classification: Uncertain significance for RIPOR2-related condition. Last evaluated: 2025-03-11. Review status: criteria provided, single submitter. Criteria: ACMG Guidelines, 2015. Collection method: clinical testing. Allele origin: germline.
Comment: The RIPOR2 c.1227+5G>C variant is predicted to interfere with splicing. This variant is predicted to alter splicing based on available splicing prediction software (SpliceAI, Jaganathan et al. 2019. PubMed ID: 30661751). However, the use of computer prediction softwares is not equivalent to functional evidence. To our knowledge, this variant has not been reported in the literature. This variant is reported in 0.011% of alleles in individuals of European (Non-Finnish) descent in gnomAD. At this time, the clinical significance of this variant is uncertain due to the absence of conclusive functional and genetic evidence.

Literature cited by the submitters: PubMed 17576681 (cited by Labcorp Genetics (formerly Invitae), Labcorp); PubMed 9536098 (cited by Labcorp Genetics (formerly Invitae), Labcorp).